The following is an entry in ClinVar:

ClinVar aggregate classification (germline): Uncertain significance (1 of 4 stars; one submission).

Submission:

Labcorp Genetics (formerly Invitae), Labcorp
Classification: Uncertain significance. Last evaluated: 2024-05-21. Review status: criteria provided, single submitter. Criteria: Invitae Variant Classification Sherloc (09022015). Collection method: clinical testing. Allele origin: germline.
Comment: This sequence change replaces cysteine, which is neutral and slightly polar, with serine, which is neutral and polar, at codon 406 of the KIF2A protein (p.Cys406Ser). This variant is not present in population databases (gnomAD no frequency). This variant has not been reported in the literature in individuals affected with KIF2A-related conditions. An algorithm developed to predict the effect of missense changes on protein structure and function (PolyPhen-2) suggests that this variant is likely to be tolerated. In summary, the available evidence is currently insufficient to determine the role of this variant in disease. Therefore, it has been classified as a Variant of Uncertain Significance.

NM_001098511.3(KIF2A):c.1217G>C (p.Cys406Ser)

Gene: KIF2A (kinesin family member 2A; plus strand). Cytogenetic location: 5q12.1.
Variant type: single nucleotide variant.
Coding change: c.1217G>C on transcript NM_001098511.3 (MANE Select); coding-DNA position 1217, G replaced by C.
Protein change: p.Cys406Ser; replaces cysteine 406 with serine.
Molecular consequence: missense variant.
Genome position (GRCh38, 1-based): chr5:62,363,275, G>C. VCF-style: chr5-62363275-G-C. GRCh37 (hg19) VCF-style: chr5-61659102-G-C.
Other names: c.1136G>C, p.Cys379Ser (NM_001243952.2); c.1160G>C, p.Cys387Ser (NM_001243953.2); c.1217G>C, p.Cys406Ser (NM_004520.5); short protein forms C379S, C387S, C406S.
Identifiers: ClinVar variation 3654088 (VCV003654088.2).